The following is an entry in ClinVar:

ClinVar aggregate classification (germline): Uncertain significance (1 of 4 stars; one submission).

Conditions:
Familial adenomatous polyposis 1 (FAP1). Also called: POLYPOSIS, ADENOMATOUS INTESTINAL; FAMILIAL ADENOMATOUS POLYPOSIS 1, ATTENUATED. Identifiers: MedGen C2713442, MONDO:0021056, OMIM 175100. Disease mechanism: loss of function.

Submission:

Labcorp Genetics (formerly Invitae), Labcorp
Classification: Uncertain significance for Familial adenomatous polyposis 1. Last evaluated: 2019-02-12. Review status: criteria provided, single submitter. Criteria: Invitae Variant Classification Sherloc (09022015). Collection method: clinical testing. Allele origin: germline.
Comment: This sequence change replaces leucine with serine at codon 592 of the APC protein (p.Leu592Ser). The leucine residue is highly conserved and there is a large physicochemical difference between leucine and serine. This variant is not present in population databases (ExAC no frequency). This variant has been observed in an individual affected with colorectal cancer (PMID: 25142776). Algorithms developed to predict the effect of missense changes on protein structure and function (SIFT, PolyPhen-2, Align-GVGD) all suggest that this variant is likely to be disruptive, but these predictions have not been confirmed by published functional studies and their clinical significance is uncertain. In summary, the available evidence is currently insufficient to determine the role of this variant in disease. Therefore, it has been classified as a Variant of Uncertain Significance.

Literature cited by the submitters: PubMed 25142776.

NM_000038.6(APC):c.1775T>C (p.Leu592Ser)

Gene: APC (APC regulator of Wnt signaling pathway; plus strand). Cytogenetic location: 5q22.2.
Variant type: single nucleotide variant.
Coding change: c.1775T>C on transcript NM_000038.6 (MANE Select); coding-DNA position 1775, T replaced by C.
Protein change: p.Leu592Ser; replaces leucine 592 with serine.
Molecular consequence: missense variant.
Genome position (GRCh38, 1-based): chr5:112,834,982, T>C. VCF-style: chr5-112834982-T-C. GRCh37 (hg19) VCF-style: chr5-112170679-T-C.
Other names: c.1775T>C, p.Leu592Ser (NM_001127510.3, NM_001354895.2); c.1721T>C, p.Leu574Ser (NM_001127511.3); c.1829T>C, p.Leu610Ser (NM_001354896.2); c.1805T>C, p.Leu602Ser (NM_001354897.2); c.1700T>C, p.Leu567Ser (NM_001354898.2); c.1691T>C, p.Leu564Ser (NM_001354899.2); c.1652T>C, p.Leu551Ser (NM_001354900.2); c.1598T>C, p.Leu533Ser (NM_001354901.2); and 5 more; short protein forms L564S, L567S, L592S, L309S, L432S, L466S, L491S, L501S.
Identifiers: ClinVar variation 859172 (VCV000859172.11), dbSNP rs1764700195, ClinGen allele CA16025196.